The following is an entry in ClinVar:

ClinVar aggregate classification (germline): Pathogenic (1 of 4 stars; one submission).

Conditions:
Diamond-Blackfan anemia. Also called: Blackfan Diamond syndrome; Aregenerative anemia chronic congenital; Red cell aplasia, pure hereditary; Congenital hypoplastic anemia; Aase syndrome. Identifiers: Orphanet 124, MedGen C1260899, MeSH D029503, MONDO:0015253, HP:0004810.

Submission:

Labcorp Genetics (formerly Invitae), Labcorp
Classification: Pathogenic for Diamond-Blackfan anemia. Last evaluated: 2023-06-27. Review status: criteria provided, single submitter. Criteria: Invitae Variant Classification Sherloc (09022015). Collection method: clinical testing. Allele origin: germline.
Comment: This sequence change creates a premature translational stop signal (p.Arg24Glnfs*14) in the RPL5 gene. It is expected to result in an absent or disrupted protein product. Loss-of-function variants in RPL5 are known to be pathogenic (PMID: 19061985, 19773262). This variant is not present in population databases (gnomAD no frequency). This variant has not been reported in the literature in individuals affected with RPL5-related conditions. For these reasons, this variant has been classified as Pathogenic.

Literature cited by the submitters: PubMed 19061985; PubMed 19773262.

NM_000969.5(RPL5):c.71del (p.Arg24fs)

Genes: DIPK1A (divergent protein kinase domain 1A; minus strand), RPL5 (ribosomal protein L5; plus strand). Cytogenetic location: 1p22.1.
Variant type: Deletion.
Coding change: c.71del on transcript NM_000969.5 (MANE Select); coding-DNA position 71, one base deleted (G; older notation c.71delG).
Protein change: p.Arg24fs; shifts the reading frame from arginine 24.
Molecular consequence: frameshift variant. On other transcripts: non-coding transcript variant (1), intron variant (1).
Genome position (GRCh38, 1-based): chr1:92,833,456, G deleted. VCF-style (leftmost placement, unchanged base first): chr1-92833455-CG-C. GRCh37 (hg19) VCF-style: chr1-93299012-CG-C.
Other names: c.475-422del (NM_001252273.2); short protein forms R24fs.
Identifiers: ClinVar variation 2730891 (VCV002730891.3), dbSNP rs2524447807, ClinGen allele CA2697552490.
Genomic context (GRCh38, chr1:92,833,455, plus strand): 5'-GTTAAAGTTGTTAAGAATAAGGCCTACTTTAAGAGATACCAAGTGAAATTTAGAAGACGA[CG>C]AGGTACTGTCACCTTTTTGTGTTTACAATATTAATCTGCTTTGCAGATGCAGTGGAGTAT-3'